The following is an entry in ClinVar:

NM_002292.4(LAMB2):c.2854A>T (p.Ile952Phe)

Gene: LAMB2 (laminin subunit beta 2; minus strand). Cytogenetic location: 3p21.31.
Variant type: single nucleotide variant.
Coding change: c.2854A>T on transcript NM_002292.4 (MANE Select); coding-DNA position 2854, A replaced by T.
Protein change: p.Ile952Phe; replaces isoleucine 952 with phenylalanine.
Molecular consequence: missense variant.
Genome position (GRCh38, 1-based): chr3:49,125,036, T>A on the plus strand (A>T on the coding strand, the complement: LAMB2 is on the minus strand). VCF-style: chr3-49125036-T-A. GRCh37 (hg19) VCF-style: chr3-49162469-T-A.
Other names: p.Ile952Phe; short protein forms I952F.
Identifiers: ClinVar variation 962771 (VCV000962771.6), dbSNP rs146962414, ClinGen allele CA2394195.
Genomic context (GRCh38, chr3:49,125,036, plus strand): 5'-CTGATCCCACGCCTGCCCCCATCCACTCACCCGTATAGCCTGCCCGGCAGTGGCACACAA[T>A]CTGCTGGGAATATTCATCCTGGTGGCAAGAAGTAGCAAAGTGCCGTTGGCTCCCAGGGCC-3'
Protein context (NP_002283.3, residues 942-962): SCHQDEYSQQ[Ile952Phe]VCHCRAGYTG

ClinVar aggregate classification (germline): Conflicting classifications of pathogenicity. Review status: criteria provided, conflicting classifications (1 of 4 stars). 3 submissions from 3 submitters: Uncertain significance (1); Likely benign (1). 1 of the submissions does not count toward it. Last evaluated 2025-10-21.

Conditions:
LAMB2-related infantile-onset nephrotic syndrome. Also called: NEPHROTIC SYNDROME, TYPE 5, WITHOUT OCULAR ABNORMALITIES; NEPHROTIC SYNDROME, TYPE 5, WITH OCULAR ABNORMALITIES; Nephrotic Syndrome, type 5. Identifiers: Orphanet 306507, MedGen C3280113, MONDO:0013621, OMIM 614199.
Pierson syndrome. Also called: MICROCORIA-CONGENITAL NEPHROTIC SYNDROME. Identifiers: Orphanet 2670, MedGen C1836876, MONDO:0012184, OMIM 609049.
LAMB2-related disorder. Also called: LAMB2-related condition.

Allele frequency attached by ClinVar (database versions not stated): ExAC 0.00017; TOPMed 0.00043; ESP Exome Variant Server 0.00046; 1000 Genomes Project 0.00060; 1000 Genomes Project 30x 0.00062.
gnomAD v4.1: 140 of 1,613,880 alleles (0.0087%); highest among the groups gnomAD compares: African/African-American, 0.15%; 1 homozygote.

Submissions (3):

Mayo Clinic Laboratories, Mayo Clinic
Classification: Likely benign. Last evaluated: 2025-10-21. Review status: criteria provided, single submitter. Criteria: ACMG Guidelines, 2015. Collection method: clinical testing. Allele origin: germline. Observed: 2 variant alleles.
Comment: BS1, BP4

Labcorp Genetics (formerly Invitae), Labcorp
Classification: Uncertain significance for LAMB2-related infantile-onset nephrotic syndrome; Pierson syndrome. Last evaluated: 2022-06-27. Review status: criteria provided, single submitter. Criteria: Invitae Variant Classification Sherloc (09022015). Collection method: clinical testing. Allele origin: germline.
Comment: This sequence change replaces isoleucine, which is neutral and non-polar, with phenylalanine, which is neutral and non-polar, at codon 952 of the LAMB2 protein (p.Ile952Phe). This variant is present in population databases (rs146962414, gnomAD 0.2%), including at least one homozygous and/or hemizygous individual. This variant has not been reported in the literature in individuals affected with LAMB2-related conditions. ClinVar contains an entry for this variant (Variation ID: 962771). Algorithms developed to predict the effect of missense changes on protein structure and function are either unavailable or do not agree on the potential impact of this missense change (SIFT: "Deleterious"; PolyPhen-2: "Possibly Damaging"; Align-GVGD: "Class C0"). In summary, the available evidence is currently insufficient to determine the role of this variant in disease. Therefore, it has been classified as a Variant of Uncertain Significance.

PreventionGenetics, part of Exact Sciences
Classification: Likely benign for LAMB2-related condition. Last evaluated: 2024-09-27. Review status: no assertion criteria provided. Collection method: clinical testing. Allele origin: germline. Not counted in ClinVar's aggregate classification.
Comment: This variant is classified as likely benign based on ACMG/AMP sequence variant interpretation guidelines (Richards et al. 2015 PMID: 25741868, with internal and published modifications).